The following is an entry in ClinVar:

ClinVar aggregate classification (germline): Likely benign. Review status: criteria provided, multiple submitters, no conflicts (2 of 4 stars). 4 submissions from 4 submitters: Likely benign (2). 2 of the submissions do not count toward it. Last evaluated 2018-06-14.

Allele frequency attached by ClinVar (database versions not stated): gnomAD exomes 0.00358; ExAC 0.00457; gnomAD 0.01252; TOPMed 0.01543; 1000 Genomes Project 30x 0.01562; ESP Exome Variant Server 0.01571; 1000 Genomes Project 0.01617.
gnomAD v4.1: 4,231 of 1,510,846 alleles (0.28%); highest among the groups gnomAD compares: African/African-American, 4.9%; 103 homozygotes.

Submissions (4):

GeneDx
Classification: Likely benign. Last evaluated: 2018-06-14. Review status: criteria provided, single submitter. Criteria: GeneDx Variant Classification (06012015). Collection method: clinical testing. Allele origin: germline. Affected: yes.
Comment: This variant is considered likely benign or benign based on one or more of the following criteria: it is a conservative change, it occurs at a poorly conserved position in the protein, it is predicted to be benign by multiple in silico algorithms, and/or has population frequency not consistent with disease.

Breakthrough Genomics
Classification: Likely benign. Review status: criteria provided, single submitter. Criteria: ACMG Guidelines, 2015. Collection method: not provided. Allele origin: germline. Inheritance: Autosomal dominant inheritance. Affected: yes.

Clinical Genetics DNA and cytogenetics Diagnostics Lab, Erasmus MC, Erasmus Medical Center
Classification: Benign. Review status: no assertion criteria provided. Collection method: clinical testing. Allele origin: germline. Affected: yes. Study: VKGL Data-share Consensus. Not counted in ClinVar's aggregate classification.

Joint Genome Diagnostic Labs from Nijmegen and Maastricht, Radboudumc and MUMC+
Classification: Likely benign. Review status: no assertion criteria provided. Collection method: clinical testing. Allele origin: germline. Affected: yes. Study: VKGL Data-share Consensus. Not counted in ClinVar's aggregate classification.

NM_003476.5(CSRP3):c.415-30T>C

Gene: CSRP3 (cysteine and glycine rich protein 3; minus strand). Cytogenetic location: 11p15.1.
Variant type: single nucleotide variant.
Coding change: c.415-30T>C on transcript NM_003476.5 (MANE Select); 30 bases into the intron before coding-DNA position 415, T replaced by C.
Molecular consequence: intron variant.
Genome position (GRCh38, 1-based): chr11:19,185,075, A>G on the plus strand (T>C on the coding strand, the complement: CSRP3 is on the minus strand). VCF-style: chr11-19185075-A-G. GRCh37 (hg19) VCF-style: chr11-19206622-A-G.
Other names: c.246-30T>C (NM_001369404.1).
Identifiers: ClinVar variation 671351 (VCV000671351.5), dbSNP rs7103779, ClinGen allele CA5916549.